The following is an entry in ClinVar:

ClinVar aggregate classification (germline): Conflicting classifications of pathogenicity. Review status: criteria provided, conflicting classifications (1 of 4 stars). 7 submissions from 5 submitters: Uncertain significance (3); Likely benign (2). 2 of the submissions do not count toward it. Last evaluated 2026-01-05.

Conditions:
Usher syndrome type 1B (USH1B). Also called: Usher syndrome type IB. Identifiers: MedGen C1848638, MONDO:0700087.
Autosomal recessive nonsyndromic hearing loss 2. Also called: NEUROSENSORY NONSYNDROMIC RECESSIVE DEAFNESS 2; DEAFNESS, AUTOSOMAL RECESSIVE 2. Identifiers: Orphanet 90636, MedGen C1838701, MONDO:0010807, OMIM 600060.
Autosomal dominant nonsyndromic hearing loss 11. Identifiers: Orphanet 90635, MedGen C1832475, MONDO:0011032, OMIM 601317.
Usher syndrome type 1 (USH1). Also called: RETINITIS PIGMENTOSA AND CONGENITAL DEAFNESS. Identifiers: Orphanet 231169, Orphanet 886, MedGen C1568247, MONDO:0010168, OMIM 276900.
MYO7A-related disorder. Also called: MYO7A-related disorders.

Allele frequency attached by ClinVar (database versions not stated): gnomAD 0.00003; gnomAD exomes 0.00003; TOPMed 0.00003; ExAC 0.00006.
gnomAD v4.1: 101 of 1,602,340 alleles (0.0063%); highest among the groups gnomAD compares: Non-Finnish European, 0.0082%; no homozygotes.

Submissions (7):

Labcorp Genetics (formerly Invitae), Labcorp
Classification: Likely benign. Last evaluated: 2026-01-05. Review status: criteria provided, single submitter. Criteria: Invitae Variant Classification Sherloc (09022015). Collection method: clinical testing. Allele origin: germline.

Blueprint Genetics
Classification: Likely benign. Last evaluated: 2023-09-19. Review status: criteria provided, single submitter. Criteria: ACMG Guidelines, 2015. Collection method: clinical testing. Allele origin: germline.

Illumina Laboratory Services, Illumina
Classification: Uncertain significance for Autosomal recessive nonsyndromic hearing loss 2. Last evaluated: 2018-01-15. Review status: criteria provided, single submitter. Criteria: ICSL Variant Classification Criteria 13 December 2019. Collection method: clinical testing. Allele origin: germline.

Illumina Laboratory Services, Illumina
Classification: Uncertain significance for Autosomal dominant nonsyndromic hearing loss 11. Last evaluated: 2018-01-15. Review status: criteria provided, single submitter. Criteria: ICSL Variant Classification Criteria 13 December 2019. Collection method: clinical testing. Allele origin: germline.

Illumina Laboratory Services, Illumina
Classification: Uncertain significance for Usher syndrome type 1. Last evaluated: 2018-01-15. Review status: criteria provided, single submitter. Criteria: ICSL Variant Classification Criteria 13 December 2019. Collection method: clinical testing. Allele origin: germline.

Natera, Inc.
Classification: Uncertain significance for Usher syndrome type 1B. Last evaluated: 2020-04-17. Review status: no assertion criteria provided. Collection method: clinical testing. Allele origin: germline. Not counted in ClinVar's aggregate classification.

PreventionGenetics, part of Exact Sciences
Classification: Likely benign for MYO7A-related condition. Last evaluated: 2019-02-21. Review status: no assertion criteria provided. Collection method: clinical testing. Allele origin: germline. Not counted in ClinVar's aggregate classification.
Comment: This variant is classified as likely benign based on ACMG/AMP sequence variant interpretation guidelines (Richards et al. 2015 PMID: 25741868, with internal and published modifications).

NM_000260.4(MYO7A):c.4647C>A (p.Thr1549=)

Gene: MYO7A (myosin VIIA; plus strand). Cytogenetic location: 11q13.5.
Variant type: single nucleotide variant.
Coding change: c.4647C>A on transcript NM_000260.4 (MANE Select); coding-DNA position 4647, C replaced by A.
Protein change: p.Thr1549=; no amino-acid change (threonine 1549 retained).
Molecular consequence: synonymous variant. On other transcripts: intron variant (2).
Genome position (GRCh38, 1-based): chr11:77,199,613, C>A. VCF-style: chr11-77199613-C-A. GRCh37 (hg19) VCF-style: chr11-76910658-C-A.
Other names: c.4536-36C>A (NM_001369365.1); c.4569-36C>A (NM_001127180.2).
Identifiers: ClinVar variation 723985 (VCV000723985.18), dbSNP rs757971917, ClinGen allele CA6198508.